The following is an entry in ClinVar:

ClinVar aggregate classification (germline): Pathogenic (1 of 4 stars; one submission).

Conditions:
Polycystic kidney disease, adult type (PKD1). Also called: POLYCYSTIC KIDNEY DISEASE 1 WITH OR WITHOUT POLYCYSTIC LIVER DISEASE; Polycystic Kidney Disease 1, Autosomal Dominant; Polycystic kidney disease 1; Polycystic kidney disease 1, severe; Polycystic Kidney, Autosomal Dominant; POLYCYSTIC KIDNEY DISEASE, ADULT, TYPE I. Identifiers: MedGen C3149841, MONDO:0008263, OMIM 173900.

Submission:

Cavalleri Lab, Royal College of Surgeons in Ireland
Classification: Pathogenic for Polycystic kidney disease, adult type. Last evaluated: 2020-02-05. Review status: criteria provided, single submitter. Criteria: ACMG Guidelines, 2015. Collection method: research. Allele origin: unknown. Inheritance: Autosomal dominant inheritance. Affected: yes.
Comment: PVS1, PM2, PP4

NM_001009944.3(PKD1):c.1004_1019del (p.Ala335fs)

Gene: PKD1 (polycystin 1, transient receptor potential channel interacting; minus strand). Cytogenetic location: 16p13.3.
Variant type: Deletion.
Coding change: c.1004_1019del on transcript NM_001009944.3 (MANE Select); coding-DNA positions 1004 to 1019, 16 bases deleted (CCGTGCTGGCCCTGGG).
Protein change: p.Ala335fs; shifts the reading frame from alanine 335.
Molecular consequence: frameshift variant.
Genome position (GRCh38, 1-based): chr16:2,117,973-2,117,988, CCCAGGGCCAGCACGG deleted on the plus strand (CCGTGCTGGCCCTGGG on the coding strand, the reverse complement: PKD1 is on the minus strand); deleting any 16 consecutive bases within chr16:2,117,973-2,117,990 gives the same sequence; the c. name uses the placement nearest the transcript's 3' end. VCF-style (leftmost placement, unchanged base first): chr16-2117972-CCCCAGGGCCAGCACGG-C. GRCh37 (hg19) VCF-style: chr16-2167973-CCCCAGGGCCAGCACGG-C.
Other names: c.1004_1019del, p.Ala335fs (NM_000296.4); short protein forms A335fs.
Identifiers: ClinVar variation 873348 (VCV000873348.1), dbSNP rs2092667308, ClinGen allele CA1139664403.
Genomic context (GRCh38, chr16:2,117,972, plus strand): 5'-CTCCAGGGCGGCAGGTGCCGCTTCCACCTGCACGTCTGTCCCCAGCAGGGCTGAGCCGGC[CCCCAGGGCCAGCACGG>C]CCGTCACGTGATAGCGCCCAGGCAGCACATAGCGATGCGAGGCAGCCGGCCCAGCGGCAT-3'